The following is an entry in ClinVar:

ClinVar aggregate classification (germline): Likely pathogenic. Review status: criteria provided, multiple submitters, no conflicts (2 of 4 stars). 3 submissions from 3 submitters: Likely pathogenic (2). 1 of the submissions does not count toward it. Last evaluated 2024-06-04.

Conditions:
Sclerosteosis 2 (SOST2). Identifiers: Orphanet 3152, MedGen C3280402, MONDO:0013679, OMIM 614305.
Cenani-Lenz syndactyly syndrome. Also called: CENANI SYNDACTYLISM; SYNDACTYLY, TYPE VII. Identifiers: Orphanet 3258, MedGen C1859309, MONDO:0008931, OMIM 212780.
Congenital myasthenic syndrome 17. Identifiers: Orphanet 590, MedGen C4225377, MONDO:0014578, OMIM 616304.

Allele frequency attached by ClinVar (database versions not stated): gnomAD exomes below 0.00001; TOPMed below 0.00001; ExAC 0.00001.
gnomAD v4.1: 3 of 1,611,794 alleles (0.00019%); highest among the groups gnomAD compares: Non-Finnish European, 0.00025%; no homozygotes.

Submissions (3):

Fulgent Genetics
Classification: Likely pathogenic for Cenani-Lenz syndactyly syndrome; Sclerosteosis 2; Congenital myasthenic syndrome 17. Last evaluated: 2024-06-04. Review status: criteria provided, single submitter. Criteria: ACMG Guidelines, 2015. Collection method: clinical testing. Allele origin: germline.

Labcorp Genetics (formerly Invitae), Labcorp
Classification: Likely pathogenic for Cenani-Lenz syndactyly syndrome; Sclerosteosis 2; Congenital myasthenic syndrome 17. Last evaluated: 2020-04-13. Review status: criteria provided, single submitter. Criteria: Invitae Variant Classification Sherloc (09022015). Collection method: clinical testing. Allele origin: germline.
Comment: This variant is present in population databases (rs762425885, ExAC 0.002%). This sequence change affects a donor splice site in intron 5 of the LRP4 gene. It is expected to disrupt RNA splicing and likely results in an absent or disrupted protein product. This variant has been observed in individual(s) with Cenani-Lenz syndrome (PMID: 20381006). ClinVar contains an entry for this variant (Variation ID: 5689). In summary, the currently available evidence indicates that the variant is pathogenic, but additional data are needed to prove that conclusively. Therefore, this variant has been classified as Likely Pathogenic. Donor and acceptor splice site variants typically lead to a loss of protein function (PMID: 16199547), and loss-of-function variants in LRP4 are known to be pathogenic (PMID: 23636941, 24924585). Algorithms developed to predict the effect of sequence changes on RNA splicing suggest that this variant may disrupt the consensus splice site, but this prediction has not been confirmed by published transcriptional studies.

OMIM
Classification: Pathogenic for CENANI-LENZ SYNDACTYLY SYNDROME. Last evaluated: 2010-05-14. Review status: no assertion criteria provided. Collection method: literature only. Allele origin: germline. Not counted in ClinVar's aggregate classification.

Literature cited by the submitters: PubMed 20381006 (cited by Labcorp Genetics (formerly Invitae), Labcorp and OMIM); PubMed 16199547 (cited by Labcorp Genetics (formerly Invitae), Labcorp); PubMed 23636941 (cited by Labcorp Genetics (formerly Invitae), Labcorp); PubMed 24924585 (cited by Labcorp Genetics (formerly Invitae), Labcorp); PubMed 11260233 (cited by OMIM).

NM_002334.4(LRP4):c.547+1G>A

Gene: LRP4 (LDL receptor related protein 4; minus strand). Cytogenetic location: 11p11.2.
Variant type: single nucleotide variant.
Coding change: c.547+1G>A on transcript NM_002334.4 (MANE Select); the canonical splice donor site of the intron after coding-DNA position 547, G replaced by A.
Molecular consequence: splice donor variant.
Genome position (GRCh38, 1-based): chr11:46,899,386, C>T on the plus strand (G>A on the coding strand, the complement: LRP4 is on the minus strand). VCF-style: chr11-46899386-C-T. GRCh37 (hg19) VCF-style: chr11-46920937-C-T.
Other names: IVS6DS, G-A, +1.
Identifiers: ClinVar variation 5689 (VCV000005689.11), dbSNP rs762425885, ClinGen allele CA5970470.